The following is an entry in ClinVar:

NM_018714.3(COG1):c.1474G>A (p.Val492Met)

Gene: COG1 (component of oligomeric golgi complex 1; plus strand). Cytogenetic location: 17q25.1.
Variant type: single nucleotide variant.
Coding change: c.1474G>A on transcript NM_018714.3 (MANE Select); coding-DNA position 1474, G replaced by A.
Protein change: p.Val492Met; replaces valine 492 with methionine.
Molecular consequence: missense variant.
Genome position (GRCh38, 1-based): chr17:73,201,301, G>A. VCF-style: chr17-73201301-G-A. GRCh37 (hg19) VCF-style: chr17-71197440-G-A.
Other names: c.1474G>A (NM_018714.2); short protein forms V492M.
Identifiers: ClinVar variation 1400030 (VCV001400030.5), dbSNP rs565847659, ClinGen allele CA8740238.

ClinVar aggregate classification (germline): Uncertain significance. Review status: criteria provided, multiple submitters, no conflicts (2 of 4 stars). 2 submissions from 2 submitters: Uncertain significance (2). Last evaluated 2025-08-30.

Conditions:
COG1 congenital disorder of glycosylation (CDG2G). Also called: CONGENITAL DISORDER OF GLYCOSYLATION, TYPE IIg; CDG IIg; CDGII/COG1 CEREBROCOSTOMANDIBULAR-LIKE SYNDROME. Identifiers: Orphanet 263508, MedGen C2931011, MONDO:0012637, OMIM 611209.
Inborn genetic diseases. Identifiers: MedGen C0950123, MeSH D030342.

Allele frequency attached by ClinVar (database versions not stated): gnomAD 0.00001 and 0.00003; TOPMed 0.00002; gnomAD exomes 0.00004 and 0.00012; ExAC 0.00012; 1000 Genomes Project 0.00020; 1000 Genomes Project 30x 0.00031.
gnomAD v4.1: 58 of 1,614,218 alleles (0.0036%); highest among the groups gnomAD compares: South Asian, 0.042%; 3 homozygotes.

Submissions (2):

Ambry Genetics
Classification: Uncertain significance for Inborn genetic diseases. Last evaluated: 2025-08-30. Review status: criteria provided, single submitter. Criteria: Ambry Variant Classification Scheme 2023. Collection method: clinical testing. Allele origin: germline.

Labcorp Genetics (formerly Invitae), Labcorp
Classification: Uncertain significance for COG1 congenital disorder of glycosylation. Last evaluated: 2024-10-07. Review status: criteria provided, single submitter. Criteria: Invitae Variant Classification Sherloc (09022015). Collection method: clinical testing. Allele origin: germline.
Comment: This sequence change replaces valine, which is neutral and non-polar, with methionine, which is neutral and non-polar, at codon 492 of the COG1 protein (p.Val492Met). This variant is present in population databases (rs565847659, gnomAD 0.07%). This variant has not been reported in the literature in individuals affected with COG1-related conditions. ClinVar contains an entry for this variant (Variation ID: 1400030). Invitae Evidence Modeling of protein sequence and biophysical properties (such as structural, functional, and spatial information, amino acid conservation, physicochemical variation, residue mobility, and thermodynamic stability) indicates that this missense variant is expected to disrupt COG1 protein function with a positive predictive value of 80%. In summary, the available evidence is currently insufficient to determine the role of this variant in disease. Therefore, it has been classified as a Variant of Uncertain Significance.